The following is an entry in ClinVar:

NM_001031679.3(MSRB3):c.176G>A (p.Gly59Glu)

Gene: MSRB3 (methionine sulfoxide reductase B3; plus strand). Cytogenetic location: 12q14.3.
Variant type: single nucleotide variant.
Coding change: c.176G>A on transcript NM_001031679.3 (MANE Select); coding-DNA position 176, G replaced by A.
Protein change: p.Gly59Glu; replaces glycine 59 with glutamic acid.
Molecular consequence: missense variant.
Genome position (GRCh38, 1-based): chr12:65,326,925, G>A. VCF-style: chr12-65326925-G-A. GRCh37 (hg19) VCF-style: chr12-65720705-G-A.
Other names: c.176G>A, p.Gly59Glu (NM_001193460.2, NM_001193461.2); c.197G>A, p.Gly66Glu (NM_198080.4); short protein forms G59E, G66E.
Identifiers: ClinVar variation 1348334 (VCV001348334.7), dbSNP rs1328034910, ClinGen allele CA385674928.

ClinVar aggregate classification (germline): Uncertain significance (1 of 4 stars; one submission).

Submission:

Labcorp Genetics (formerly Invitae), Labcorp
Classification: Uncertain significance. Last evaluated: 2022-08-09. Review status: criteria provided, single submitter. Criteria: Invitae Variant Classification Sherloc (09022015). Collection method: clinical testing. Allele origin: germline.
Comment: In summary, the available evidence is currently insufficient to determine the role of this variant in disease. Therefore, it has been classified as a Variant of Uncertain Significance. Algorithms developed to predict the effect of missense changes on protein structure and function are either unavailable or do not agree on the potential impact of this missense change (SIFT: "Deleterious"; PolyPhen-2: "Probably Damaging"; Align-GVGD: "Class C15"). ClinVar contains an entry for this variant (Variation ID: 1348334). This variant has not been reported in the literature in individuals affected with MSRB3-related conditions. This variant is not present in population databases (gnomAD no frequency). This sequence change replaces glycine, which is neutral and non-polar, with glutamic acid, which is acidic and polar, at codon 66 of the MSRB3 protein (p.Gly66Glu).